The following is an entry in ClinVar:

NM_001354604.2(MITF):c.639C>G (p.Asn213Lys)

Gene: MITF (melanocyte inducing transcription factor; plus strand). Cytogenetic location: 3p13.
Variant type: single nucleotide variant.
Coding change: c.639C>G on transcript NM_001354604.2 (MANE Select); coding-DNA position 639, C replaced by G.
Protein change: p.Asn213Lys; replaces asparagine 213 with lysine.
Molecular consequence: missense variant.
Genome position (GRCh38, 1-based): chr3:69,939,154, C>G. VCF-style: chr3-69939154-C-G. GRCh37 (hg19) VCF-style: chr3-69988305-C-G.
Other names: c.318C>G, p.Asn106Lys (NM_000248.4, NM_198158.3); c.483C>G, p.Asn161Lys (NM_001184967.2, NM_001354608.2); c.636C>G, p.Asn212Lys (NM_001354605.2, NM_001354606.2, NM_006722.3); c.588C>G, p.Asn196Lys (NM_001354607.2); c.639C>G, p.Asn213Lys (NM_198159.3); c.591C>G, p.Asn197Lys (NM_198177.3); c.150C>G, p.Asn50Lys (NM_198178.3); short protein forms N106K, N161K, N196K, N197K, N212K, N213K, N50K.
Identifiers: ClinVar variation 666859 (VCV000666859.13), dbSNP rs137944487, ClinGen allele CA77000672.

ClinVar aggregate classification (germline): Uncertain significance. Review status: criteria provided, multiple submitters, no conflicts (2 of 4 stars). 3 submissions from 3 submitters: Uncertain significance (3). Last evaluated 2026-02-01.

Conditions:
Waardenburg syndrome type 2A (WS2A). Also called: WAARDENBURG SYNDROME WITHOUT DYSTOPIA CANTHORUM. Identifiers: Orphanet 3440, MedGen C1860339, MONDO:0008671, OMIM 193510.
Tietz syndrome (TADS). Also called: ALBINISM-DEAFNESS OF TIETZ; TIETZ ALBINISM-DEAFNESS SYNDROME; HYPOPIGMENTATION/DEAFNESS OF TIETZ. Identifiers: Orphanet 42665, MedGen C0391816, MONDO:0007077, OMIM 103500.
Melanoma, cutaneous malignant, susceptibility to, 8. Also called: MELANOMA AND RENAL CELL CARCINOMA, SUSCEPTIBILITY TO; Cutaneous malignant melanoma 8. Identifiers: Orphanet 293822, MedGen C3152204, MONDO:0013759, OMIM 614456.

Allele frequency attached by ClinVar (database versions not stated): TOPMed 0.00003.
gnomAD v4.1: 15 of 1,613,976 alleles (0.00093%); highest among the groups gnomAD compares: Non-Finnish European, 0.0013%; no homozygotes.

Submissions (3):

Labcorp Genetics (formerly Invitae), Labcorp
Classification: Uncertain significance for Melanoma, cutaneous malignant, susceptibility to, 8; Waardenburg syndrome type 2A; Tietz syndrome. Last evaluated: 2026-02-01. Review status: criteria provided, single submitter. Criteria: Invitae Variant Classification Sherloc (09022015). Collection method: clinical testing. Allele origin: germline.
Comment: This sequence change replaces asparagine, which is neutral and polar, with lysine, which is basic and polar, at codon 106 of the MITF protein (p.Asn106Lys). This variant is present in population databases (no rsID available, gnomAD 0.004%). This variant has not been reported in the literature in individuals affected with MITF-related conditions. ClinVar contains an entry for this variant (Variation ID: 666859). An algorithm developed to predict the effect of missense changes on protein structure and function (PolyPhen-2) suggests that this variant is likely to be tolerated. In summary, the available evidence is currently insufficient to determine the role of this variant in disease. Therefore, it has been classified as a Variant of Uncertain Significance.

GeneDx
Classification: Uncertain significance. Last evaluated: 2023-03-15. Review status: criteria provided, single submitter. Criteria: GeneDx Variant Classification Process June 2021. Collection method: clinical testing. Allele origin: germline. Affected: yes.
Comment: Not observed at significant frequency in large population cohorts (gnomAD); In silico analysis supports that this missense variant does not alter protein structure/function; Has not been previously published as pathogenic or benign to our knowledge; This variant is associated with the following publications: (PMID: 27349893)

Laboratory for Molecular Medicine, Mass General Brigham Personalized Medicine
Classification: Uncertain significance. Last evaluated: 2019-02-06. Review status: criteria provided, single submitter. Criteria: LMM Criteria. Collection method: clinical testing. Allele origin: germline. Observed: 2 variant alleles.
Comment: Variant classified as Uncertain Significance - Favor Benign. The p.Asn106Lys variant in MITF has not been previously reported in individuals with hearing loss or Waardenburg syndrome, but has been identified in 0.003% (5/128938) of European chromosomes by gnomAD. Computational prediction tools and conservation analysis suggest that this variant may not impact the protein, though this information is not predictive enough to rule out pathogenicity. In summary, while the clinical significance of this variant is uncertain, these data suggest that it is more likely to be benign. ACMG/AMP criteria: BP4.

Literature cited by the submitters: PubMed 27349893 (cited by Laboratory for Molecular Medicine, Mass General Brigham Personalized Medicine).